The following is an entry in ClinVar:

NM_006929.5(SKIC2):c.757C>T (p.Arg253Ter)

Gene: SKIC2 (SKI2 subunit of superkiller complex; plus strand). Cytogenetic location: 6p21.33.
Variant type: single nucleotide variant.
Coding change: c.757C>T on transcript NM_006929.5 (MANE Select); coding-DNA position 757, C replaced by T.
Protein change: p.Arg253Ter; replaces arginine 253 with a stop codon.
Molecular consequence: nonsense.
Genome position (GRCh38, 1-based): chr6:31,961,354, C>T. VCF-style: chr6-31961354-C-T. GRCh37 (hg19) VCF-style: chr6-31929131-C-T.
Other names: short protein forms R253*.
Identifiers: ClinVar variation 631978 (VCV000631978.10), dbSNP rs768503878, ClinGen allele CA3729244.

ClinVar aggregate classification (germline): Pathogenic/Likely pathogenic. Review status: criteria provided, multiple submitters, no conflicts (2 of 4 stars). 2 submissions from 2 submitters: Pathogenic (1); Likely pathogenic (1). Last evaluated 2025-12-22.

Conditions:
Trichohepatoenteric syndrome 2 (THES2). Identifiers: Orphanet 84064, MedGen C3281289, MONDO:0013818, OMIM 614602.

Allele frequency attached by ClinVar (database versions not stated): gnomAD 0.00002; gnomAD exomes 0.00002 and 0.00008; TOPMed 0.00002; ExAC 0.00003.
gnomAD v4.1: 111 of 1,568,604 alleles (0.0071%); highest among the groups gnomAD compares: Non-Finnish European, 0.009%; no homozygotes.

Submissions (2):

Labcorp Genetics (formerly Invitae), Labcorp
Classification: Pathogenic. Last evaluated: 2025-12-22. Review status: criteria provided, single submitter. Criteria: Invitae Variant Classification Sherloc (09022015). Collection method: clinical testing. Allele origin: germline.
Comment: This sequence change creates a premature translational stop signal (p.Arg253*) in the SKIV2L gene. It is expected to result in an absent or disrupted protein product. Loss-of-function variants in SKIV2L are known to be pathogenic (PMID: 22444670). This variant is present in population databases (rs768503878, gnomAD 0.007%). This variant has not been reported in the literature in individuals affected with SKIV2L-related conditions. ClinVar contains an entry for this variant (Variation ID: 631978). Algorithms developed to predict the effect of sequence changes on RNA splicing suggest that this variant may disrupt the consensus splice site. For these reasons, this variant has been classified as Pathogenic.

Johns Hopkins Genomics, Johns Hopkins University
Classification: Likely pathogenic for Trichohepatoenteric syndrome 2. Last evaluated: 2019-04-08. Review status: criteria provided, single submitter. Criteria: ACMG Guidelines, 2015. Collection method: clinical testing. Allele origin: germline.
Comment: SKIV2L c.757C>T has not been reported in ClinVar nor the literature, to our knowledge. This variant (rs768503878) is rare (<0.1%) in large population datasets (gnomAD: 4/208496 total alleles; 0.001919%; no homozygotes). This nonsense variant results in a premature stop codon in exon 8 of 28 likely leading to nonsense-mediated decay and lack of protein production. This variant is likely pathogenic in this patient.

Literature cited by the submitters: PubMed 22444670 (cited by Labcorp Genetics (formerly Invitae), Labcorp).